The following is an entry in ClinVar:

ClinVar aggregate classification (germline): Uncertain significance (1 of 4 stars; one submission).

Conditions:
Spermatogenic failure 18. Identifiers: MedGen C4539783, MONDO:0054615, OMIM 617576.
Ciliary dyskinesia, primary, 37 (CILD37). Also called: CILIARY DYSKINESIA, PRIMARY, 37, WITH OR WITHOUT SITUS INVERSUS. Identifiers: MedGen C4539798, MONDO:0033204, OMIM 617577.

Allele frequency attached by ClinVar (database versions not stated): gnomAD 0.00002; TOPMed 0.00002; gnomAD exomes 0.00004.
gnomAD v4.1: 60 of 1,583,640 alleles (0.0038%); highest among the groups gnomAD compares: Non-Finnish European, 0.0047%; no homozygotes.

Submission:

Labcorp Genetics (formerly Invitae), Labcorp
Classification: Uncertain significance for Ciliary dyskinesia, primary, 37; Spermatogenic failure 18. Last evaluated: 2022-10-13. Review status: criteria provided, single submitter. Criteria: Invitae Variant Classification Sherloc (09022015). Collection method: clinical testing. Allele origin: germline.
Comment: In summary, the available evidence is currently insufficient to determine the role of this variant in disease. Therefore, it has been classified as a Variant of Uncertain Significance. Advanced modeling of protein sequence and biophysical properties (such as structural, functional, and spatial information, amino acid conservation, physicochemical variation, residue mobility, and thermodynamic stability) has been performed at Invitae for this missense variant, however the output from this modeling did not meet the statistical confidence thresholds required to predict the impact of this variant on DNAH1 protein function. ClinVar contains an entry for this variant (Variation ID: 857064). This variant has not been reported in the literature in individuals affected with DNAH1-related conditions. This variant is not present in population databases (gnomAD no frequency). This sequence change replaces glutamine, which is neutral and polar, with arginine, which is basic and polar, at codon 126 of the DNAH1 protein (p.Gln126Arg).

NM_015512.5(DNAH1):c.377A>G (p.Gln126Arg)

Gene: DNAH1 (dynein axonemal heavy chain 1; plus strand). Cytogenetic location: 3p21.1.
Variant type: single nucleotide variant.
Coding change: c.377A>G on transcript NM_015512.5 (MANE Select); coding-DNA position 377, A replaced by G.
Protein change: p.Gln126Arg; replaces glutamine 126 with arginine.
Molecular consequence: missense variant.
Genome position (GRCh38, 1-based): chr3:52,323,851, A>G. VCF-style: chr3-52323851-A-G. GRCh37 (hg19) VCF-style: chr3-52357867-A-G.
Other names: short protein forms Q126R.
Identifiers: ClinVar variation 857064 (VCV000857064.6), dbSNP rs1016034342, ClinGen allele CA74751858.
Genomic context (GRCh38, chr3:52,323,851, plus strand): 5'-CCATGGTTTGGTTTCAGGAGGTATGTCGTGGCCCCCGAATGAGCCAGAACCTCCTGCGGC[A>G]GGCTGACCTTGACAAGTTCACCCCAAGAGGTCAGTGCTCAGGAGGGCTGTGTGAGTGGGT-3'
Protein context (NP_056327.4, residues 116-136): GPRMSQNLLR[Gln126Arg]ADLDKFTPRV